The following is an entry in ClinVar:

NM_058216.3(RAD51C):c.404+6_404+10del

Gene: RAD51C (RAD51 paralog C; plus strand). Cytogenetic location: 17q22.
Variant type: Deletion.
Coding change: c.404+6_404+10del on transcript NM_058216.3 (MANE Select); bases 6 to 10 of the intron after coding-DNA position 404, 5 bases deleted (ATAAA; older notation c.404+6_404+10delATAAA).
Molecular consequence: splice donor variant. On other transcripts: no sequence alteration (1), non-coding transcript variant (1).
Genome position (GRCh38, 1-based): chr17:58,695,195-58,695,199, ATAAA deleted; deleting any 5 consecutive bases within chr17:58,695,191-58,695,199 gives the same sequence; the c. name uses the placement nearest the transcript's 3' end. VCF-style (leftmost placement, unchanged base first): chr17-58695190-GTAAAA-G. GRCh37 (hg19) VCF-style: chr17-56772551-GTAAAA-G.
Other names: c.404+6_404+10delATAAA (NM_058216.2, NM_058216.1); c.*2_*6del, p.Ter136= (NM_002876.4).
Identifiers: ClinVar variation 419938 (VCV000419938.10), dbSNP rs757693213, ClinGen allele CA8677209.
Genomic context (GRCh38, chr17:58,695,190, plus strand): 5'-GCCCTTAATGAAAACAACAGAAATTTGTGGTGCACCAGGTGTTGGAAAAACACAATTATG[GTAAAA>G]TAAAGTGTTCTCCTTTTAAGGGTGGGTTTAATAACATATTATGAAAGTAGTATTTTGTAC-3'

ClinVar aggregate classification (germline): Conflicting classifications of pathogenicity. Review status: criteria provided, conflicting classifications (1 of 4 stars). 3 submissions from 3 submitters: Uncertain significance (1); Likely benign (2). Last evaluated 2024-05-01.

Conditions:
Hereditary cancer-predisposing syndrome. Also called: Hereditary neoplastic syndrome; Hereditary Cancer Syndrome; Neoplastic Syndromes, Hereditary; Tumor predisposition. Identifiers: Orphanet 140162, MedGen C0027672, MeSH D009386, MONDO:0015356.
Fanconi anemia complementation group O. Also called: RAD51C-Related Fanconi Anemia. Identifiers: Orphanet 84, MedGen C3150653, MONDO:0013248, OMIM 613390.

Submissions (3):

Labcorp Genetics (formerly Invitae), Labcorp
Classification: Uncertain significance for Fanconi anemia complementation group O. Last evaluated: 2024-05-01. Review status: criteria provided, single submitter. Criteria: Invitae Variant Classification Sherloc (09022015). Collection method: clinical testing. Allele origin: germline.
Comment: This sequence change falls in intron 2 of the RAD51C gene. It does not directly change the encoded amino acid sequence of the RAD51C protein. It affects a nucleotide within the consensus splice site. This variant is present in population databases (rs757693213, gnomAD 0.007%). This variant has not been reported in the literature in individuals affected with RAD51C-related conditions. ClinVar contains an entry for this variant (Variation ID: 419938). Variants that disrupt the consensus splice site are a relatively common cause of aberrant splicing (PMID: 17576681, 9536098). Algorithms developed to predict the effect of sequence changes on RNA splicing suggest that this variant is not likely to affect RNA splicing. In summary, the available evidence is currently insufficient to determine the role of this variant in disease. Therefore, it has been classified as a Variant of Uncertain Significance.

Color Diagnostics, LLC DBA Color Health
Classification: Likely benign for Hereditary cancer-predisposing syndrome. Last evaluated: 2017-08-02. Review status: criteria provided, single submitter. Criteria: ACMG Guidelines, 2015. Collection method: clinical testing. Allele origin: germline.

GeneDx
Classification: Likely benign. Last evaluated: 2015-11-05. Review status: criteria provided, single submitter. Criteria: GeneDx Variant Classification (06012015). Collection method: clinical testing. Allele origin: germline. Affected: yes.
Comment: This variant is considered likely benign or benign based on one or more of the following criteria: it is a conservative change, it occurs at a poorly conserved position in the protein, it is predicted to be benign by multiple in silico algorithms, and/or has population frequency not consistent with disease.

Literature cited by the submitters: PubMed 17576681 (cited by Labcorp Genetics (formerly Invitae), Labcorp); PubMed 9536098 (cited by Labcorp Genetics (formerly Invitae), Labcorp).